The following is an entry in ClinVar:

ClinVar aggregate classification (germline): Pathogenic (3 of 4 stars; one submission).

Conditions:
Breast-ovarian cancer, familial, susceptibility to, 2 (BROVCA2). Also called: BRCA2 Hereditary Breast and Ovarian Cancer. Identifiers: Orphanet 145, MedGen C2675520, MONDO:0012933, OMIM 612555. Disease mechanism: loss of function.

Submission:

Evidence-based Network for the Interpretation of Germline Mutant Alleles (ENIGMA)
Classification: Pathogenic for Breast-ovarian cancer, familial, susceptibility to, 2. Last evaluated: 2017-12-15. Review status: reviewed by expert panel. Criteria: ENIGMA BRCA1/2 Classification Criteria (2017-06-29). Collection method: curation. Allele origin: germline. Study: ENIGMA.
Comment: Variant allele predicted to encode a truncated non-functional protein.

NM_000059.4(BRCA2):c.8207_8208insAG (p.Leu2737fs)

Gene: BRCA2 (BRCA2 DNA repair associated; plus strand). Cytogenetic location: 13q13.1.
Variant type: Insertion.
Coding change: c.8207_8208insAG on transcript NM_000059.4 (MANE Select); coding-DNA positions 8207 to 8208, AG inserted.
Protein change: p.Leu2737fs; shifts the reading frame from leucine 2737.
Molecular consequence: frameshift variant.
Genome position: GRCh38 VCF-style: chr13-32363409-T-TAG. GRCh37 (hg19) VCF-style: chr13-32937546-T-TAG.
Other names: short protein forms L2737fs.
Identifiers: ClinVar variation 548393 (VCV000548393.3), dbSNP rs1555287043, ClinGen allele CA658823562.